The following is an entry in ClinVar:

NM_015570.4(AUTS2):c.690+2T>A

Gene: AUTS2 (activator of transcription and developmental regulator AUTS2; plus strand). Cytogenetic location: 7q11.22.
Variant type: single nucleotide variant.
Coding change: c.690+2T>A on transcript NM_015570.4 (MANE Select); the canonical splice donor site of the intron after coding-DNA position 690, T replaced by A.
Molecular consequence: splice donor variant.
Genome position (GRCh38, 1-based): chr7:70,435,783, T>A. VCF-style: chr7-70435783-T-A. GRCh37 (hg19) VCF-style: chr7-69900769-T-A.
Other names: c.690+2T>A (NM_001127231.3).
Identifiers: ClinVar variation 4593572 (VCV004593572.1).

ClinVar aggregate classification (germline): Uncertain significance (1 of 4 stars; one submission).

Conditions:
Inborn genetic diseases. Identifiers: MedGen C0950123, MeSH D030342.

Submission:

Ambry Genetics
Classification: Uncertain significance for Inborn genetic diseases. Last evaluated: 2025-10-06. Review status: criteria provided, single submitter. Criteria: Ambry Variant Classification Scheme 2023. Collection method: clinical testing. Allele origin: germline.
Comment: The c.690+2T>A intronic variant consists of a T to A substitution two nucleotides after coding exon 5 of the AUTS2 gene. Alterations that disrupt the canonical splice site are expected to result in aberrant splicing. The resulting transcript is predicted to be in-frame and is not expected to trigger nonsense-mediated mRNA decay, although direct evidence is unavailable. This variant was not reported in population-based cohorts in the Genome Aggregation Database (gnomAD). This nucleotide position is highly conserved in available vertebrate species. In silico splice site analysis predicts that this alteration will weaken the native splice donor site. Based on insufficient or conflicting evidence, the clinical significance of this alteration remains unclear.